The following is an entry in ClinVar:

NM_012407.4(PICK1):c.350-6G>A

Gene: PICK1 (protein interacting with PRKCA 1; plus strand). Cytogenetic location: 22q13.1.
Variant type: single nucleotide variant.
Coding change: c.350-6G>A on transcript NM_012407.4 (MANE Select); 6 bases into the intron before coding-DNA position 350, G replaced by A.
Molecular consequence: intron variant.
Genome position (GRCh38, 1-based): chr22:38,069,027, G>A. VCF-style: chr22-38069027-G-A. GRCh37 (hg19) VCF-style: chr22-38465034-G-A.
Other names: c.350-6G>A (NM_001039583.1, NM_001039584.1).
Identifiers: ClinVar variation 715752 (VCV000715752.6), dbSNP rs73419888, ClinGen allele CA10229101.
Genomic context (GRCh38, chr22:38,069,027, plus strand): 5'-AAGGCTGGGGGCAGGGATGGCCTCTGGGCAGCCACAGACTCACCAGGTCCTTTGTCCCCC[G>A]CTCAGTGTTGAAGAAAGTCAAGCACCGGCTGGTGGAGAACATGAGTTCAGGGACCGCAGA-3'

ClinVar aggregate classification (germline): Benign. Review status: criteria provided, multiple submitters, no conflicts (2 of 4 stars). 3 submissions from 3 submitters: Benign (2). 1 of the submissions does not count toward it. Last evaluated 2018-09-12.

Conditions:
PICK1-related disorder. Also called: PICK1-related condition.

Allele frequency attached by ClinVar (database versions not stated): gnomAD 0.00156; ESP Exome Variant Server 0.00192; TOPMed 0.00205; 1000 Genomes Project 0.00220; 1000 Genomes Project 30x 0.00265.
gnomAD v4.1: 562 of 1,610,688 alleles (0.035%); highest among the groups gnomAD compares: African/African-American, 0.54%; no homozygotes.

Submissions (3):

Labcorp Genetics (formerly Invitae), Labcorp
Classification: Benign. Last evaluated: 2018-09-12. Review status: criteria provided, single submitter. Criteria: Invitae Variant Classification Sherloc (09022015). Collection method: clinical testing. Allele origin: germline.

Breakthrough Genomics
Classification: Benign. Review status: criteria provided, single submitter. Criteria: ACMG Guidelines, 2015. Collection method: not provided. Allele origin: germline. Inheritance: Unknown mechanism. Affected: yes.

PreventionGenetics, part of Exact Sciences
Classification: Likely benign for PICK1-related condition. Last evaluated: 2019-08-14. Review status: no assertion criteria provided. Collection method: clinical testing. Allele origin: germline. Not counted in ClinVar's aggregate classification.
Comment: This variant is classified as likely benign based on ACMG/AMP sequence variant interpretation guidelines (Richards et al. 2015 PMID: 25741868, with internal and published modifications).